The following is an entry in ClinVar:

ClinVar aggregate classification (germline): Uncertain significance (1 of 4 stars; one submission).

Conditions:
Cerebral folate transport deficiency. Also called: Cerebral folate deficiency syndrome; Neurodegenerative syndrome due to cerebral folate transport deficiency; FOLATE RECEPTOR DEFICIENCY; NEURODEGENERATION DUE TO CEREBRAL FOLATE TRANSPORT DEFICIENCY; FOLR1-Related Cerebral Folate Transport Deficiency. Identifiers: Orphanet 217382, MedGen C2751584, MONDO:0013110, OMIM 613068. Disease mechanism: loss of function.

Allele frequency attached by ClinVar (database versions not stated): gnomAD exomes below 0.00001; gnomAD 0.00001; TOPMed 0.00002.
gnomAD v4.1: 8 of 1,614,104 alleles (0.0005%); highest among the groups gnomAD compares: Middle Eastern, 0.016%; no homozygotes.

Submission:

Labcorp Genetics (formerly Invitae), Labcorp
Classification: Uncertain significance for Cerebral folate transport deficiency. Last evaluated: 2020-03-05. Review status: criteria provided, single submitter. Criteria: Invitae Variant Classification Sherloc (09022015). Collection method: clinical testing. Allele origin: germline.
Comment: This sequence change replaces glycine with glutamic acid at codon 205 of the FOLR1 protein (p.Gly205Glu). The glycine residue is highly conserved and there is a moderate physicochemical difference between glycine and glutamic acid. This variant is not present in population databases (ExAC no frequency). This variant has not been reported in the literature in individuals with FOLR1-related conditions. Algorithms developed to predict the effect of missense changes on protein structure and function are either unavailable or do not agree on the potential impact of this missense change (SIFT: "Deleterious"; PolyPhen-2: "Probably Damaging"; Align-GVGD: "Class C0"). In summary, the available evidence is currently insufficient to determine the role of this variant in disease. Therefore, it has been classified as a Variant of Uncertain Significance.

NM_016729.3(FOLR1):c.614G>A (p.Gly205Glu)

Genes: FOLR1 (folate receptor alpha; plus strand), FOLR1-AS1 (FOLR1 antisense RNA 1; minus strand). Cytogenetic location: 11q13.4.
Variant type: single nucleotide variant.
Coding change: c.614G>A on transcript NM_016729.3 (MANE Select); coding-DNA position 614, G replaced by A.
Protein change: p.Gly205Glu; replaces glycine 205 with glutamic acid.
Molecular consequence: missense variant.
Genome position (GRCh38, 1-based): chr11:72,196,017, G>A. VCF-style: chr11-72196017-G-A. GRCh37 (hg19) VCF-style: chr11-71907061-G-A.
Other names: c.614G>A, p.Gly205Glu (NM_000802.3, NM_016724.3, NM_016725.3); short protein forms G205E.
Identifiers: ClinVar variation 939612 (VCV000939612.10), dbSNP rs985046746, ClinGen allele CA224405714.